The following is an entry in ClinVar:

NM_001355436.2(SPTB):c.2214C>T (p.Asn738=)

Gene: SPTB (spectrin beta, erythrocytic; minus strand). Cytogenetic location: 14q23.3.
Variant type: single nucleotide variant.
Coding change: c.2214C>T on transcript NM_001355436.2 (MANE Select); coding-DNA position 2214, C replaced by T.
Protein change: p.Asn738=; no amino-acid change (asparagine 738 retained).
Molecular consequence: synonymous variant.
Genome position (GRCh38, 1-based): chr14:64,793,449, G>A on the plus strand (C>T on the coding strand, the complement: SPTB is on the minus strand). VCF-style: chr14-64793449-G-A. GRCh37 (hg19) VCF-style: chr14-65260167-G-A.
Other names: c.2214C>T, p.Asn738= (NM_001024858.4, NM_001355437.2).
Identifiers: ClinVar variation 3035254 (VCV003035254.3), dbSNP rs1405970104, ClinGen allele CA486968750.
Genomic context (GRCh38, chr14:64,793,449, plus strand): 5'-CCAAGCCTTCAGGTCATCCGCATCGCCCTGGAACTGGAAAAAGTTCTCAGCATCCTGGAG[G>A]TTCTTCTTGCAGAAGGCAGCCAGGTCCTTCAGCTGGTCCCACTGTGCCGACACCTCCTTT-3'
Protein context (NP_001342365.1, residues 728-748): LKDLAAFCKK[Asn738=]LQDAENFFQF

ClinVar aggregate classification (germline): Likely benign. Review status: criteria provided, single submitter (1 of 4 stars). 2 submissions from 2 submitters: Likely benign (1). 1 of the submissions does not count toward it. Last evaluated 2025-11-07.

Conditions:
SPTB-related disorder. Also called: SPTB-Related Disorders; SPTB-related condition.

Allele frequency attached by ClinVar (database versions not stated): gnomAD 0.00001.
gnomAD v4.1: 1 of 1,613,894 alleles (0.000062%); highest among the groups gnomAD compares: African/African-American, 0.0013%; no homozygotes.

Submissions (2):

Labcorp Genetics (formerly Invitae), Labcorp
Classification: Likely benign. Last evaluated: 2025-11-07. Review status: criteria provided, single submitter. Criteria: Invitae Variant Classification Sherloc (09022015). Collection method: clinical testing. Allele origin: germline.

PreventionGenetics, part of Exact Sciences
Classification: Likely benign for SPTB-related condition. Last evaluated: 2019-08-08. Review status: no assertion criteria provided. Collection method: clinical testing. Allele origin: germline. Not counted in ClinVar's aggregate classification.
Comment: This variant is classified as likely benign based on ACMG/AMP sequence variant interpretation guidelines (Richards et al. 2015 PMID: 25741868, with internal and published modifications).